The following is an entry in ClinVar:

ClinVar aggregate classification (germline): Likely pathogenic (1 of 4 stars; one submission).

Conditions:
Oculocutaneous albinism type 1. Also called: Albinism 1; ALBINISM I. Identifiers: Orphanet 352731, MedGen C0268494, MONDO:0018135. Disease mechanism: loss of function.

gnomAD v4.1: 2 of 1,613,726 alleles (0.00012%); highest among the groups gnomAD compares: Non-Finnish European, 0.00017%; no homozygotes.

Submission:

Myriad Genetics, Inc.
Classification: Likely pathogenic for Oculocutaneous albinism type 1. Last evaluated: 2026-04-15. Review status: criteria provided, single submitter. Criteria: Myriad Autosomal Dominant, Autosomal Recessive and X-Linked Classification Criteria (2023). Collection method: clinical testing. Allele origin: unknown.
Comment: NM_000372.4(TYR):c.985T>C(S329P) is a missense variant classified as likely pathogenic in the context of oculocutaneous albinism, TYR-related. S329P has been observed in cases with relevant disease (PMID: 25919014, 29437493, 21541274, 15146472). Relevant functional assessments of this variant are not available in the literature. S329P has not been observed in referenced population frequency databases. In summary, NM_000372.4(TYR):c.985T>C(S329P) is a missense variant that has been observed more frequently in cases with the relevant disease than in healthy populations. Please note: this variant was assessed in the context of healthy population screening.

Literature cited by the submitters: PubMed 15146472; PubMed 21541274; PubMed 25919014; PubMed 29437493.

NM_000372.5(TYR):c.985T>C (p.Ser329Pro)

Gene: TYR (tyrosinase; plus strand). Cytogenetic location: 11q14.3.
Variant type: single nucleotide variant.
Coding change: c.985T>C on transcript NM_000372.5 (MANE Select); coding-DNA position 985, T replaced by C.
Protein change: p.Ser329Pro; replaces serine 329 with proline.
Molecular consequence: missense variant.
Genome position (GRCh38, 1-based): chr11:89,191,367, T>C. VCF-style: chr11-89191367-T-C. GRCh37 (hg19) VCF-style: chr11-88924535-T-C.
Other names: short protein forms S329P.
Identifiers: ClinVar variation 5004036 (VCV005004036.1).
Genomic context (GRCh38, chr11:89,191,367, plus strand): 5'-ACCCCAAGGCTCCCCTCTTCAGCTGATGTAGAATTTTGCCTGAGTTTGACCCAATATGAA[T>C]CTGGTTCCATGGATAAAGCTGCCAATTTCAGCTTTAGAAATACACTGGAAGGTAATCTCT-3'
Protein context (NP_000363.1, residues 319-339): EFCLSLTQYE[Ser329Pro]GSMDKAANFS